The following is an entry in ClinVar:

NM_001378120.1(MBD5):c.688C>T (p.Gln230Ter)

Gene: MBD5 (methyl-CpG binding domain protein 5; plus strand). Cytogenetic location: 2q23.1.
Variant type: single nucleotide variant.
Coding change: c.688C>T on transcript NM_001378120.1 (MANE Select); coding-DNA position 688, C replaced by T.
Protein change: p.Gln230Ter; replaces glutamine 230 with a stop codon.
Molecular consequence: nonsense.
Genome position (GRCh38, 1-based): chr2:148,468,631, C>T. VCF-style: chr2-148468631-C-T. GRCh37 (hg19) VCF-style: chr2-149226200-C-T.
Other names: c.688C>T, p.Gln230Ter (NM_018328.5); short protein forms Q230*.
Identifiers: ClinVar variation 426936 (VCV000426936.2), dbSNP rs1085307859, ClinGen allele CA348717431.

ClinVar aggregate classification (germline): Pathogenic (1 of 4 stars; one submission).

Submission:

GeneDx
Classification: Pathogenic. Last evaluated: 2017-03-24. Review status: criteria provided, single submitter. Criteria: GeneDx Variant Classification (06012015). Collection method: clinical testing. Allele origin: germline. Affected: yes.
Comment: The Q230X variant in the MBD5 gene has not been reported previously as a pathogenic variant nor as a benign variant, to our knowledge. This variant is predicted to cause loss of normal protein function either through protein truncation or nonsense-mediated mRNA decay. The Q230X variant is not observed in large population cohorts (Lek et al., 2016; 1000 Genomes Consortium et al., 2015; Exome Variant Server). We interpret Q230X as a pathogenic variant.